The following is an entry in ClinVar:

ClinVar aggregate classification (germline): Pathogenic (1 of 4 stars; one submission).

Submission:

Labcorp Genetics (formerly Invitae), Labcorp
Classification: Pathogenic. Last evaluated: 2025-10-13. Review status: criteria provided, single submitter. Criteria: Invitae Variant Classification Sherloc (09022015). Collection method: clinical testing. Allele origin: germline.
Comment: This sequence change creates a premature translational stop signal (p.Asp673Serfs*8) in the CAPN1 gene. It is expected to result in an absent or disrupted protein product. Loss-of-function variants in CAPN1 are known to be pathogenic (PMID: 27153400, 27320912). This variant is not present in population databases (gnomAD no frequency). This variant has not been reported in the literature in individuals affected with CAPN1-related conditions. For these reasons, this variant has been classified as Pathogenic.

Literature cited by the submitters: PubMed 27153400; PubMed 27320912.

NM_005186.4(CAPN1):c.2017_2023del (p.Asp673fs)

Genes: CAPN1 (calpain 1; plus strand), LOC126861236 (P300/CBP strongly-dependent group 1 enhancer GRCh37_chr11:64976880-64978079; plus strand). Cytogenetic location: 11q13.1.
Variant type: Deletion.
Coding change: c.2017_2023del on transcript NM_005186.4 (MANE Select); coding-DNA positions 2017 to 2023, 7 bases deleted (GACAATT; older notation c.2017_2023delGACAATT).
Protein change: p.Asp673fs; shifts the reading frame from aspartic acid 673.
Molecular consequence: frameshift variant. On other transcripts: non-coding transcript variant (1).
Genome position (GRCh38, 1-based): chr11:65,210,410-65,210,416, GACAATT deleted; deleting any 7 consecutive bases within chr11:65,210,408-65,210,416 gives the same sequence; the c. name uses the placement nearest the transcript's 3' end. VCF-style (leftmost placement, unchanged base first): chr11-65210407-TTTGACAA-T. GRCh37 (hg19) VCF-style: chr11-64977878-TTTGACAA-T.
Other names: c.2017_2023del, p.Asp673fs (NM_001198868.2, NM_001198869.2); short protein forms D673fs.
Identifiers: ClinVar variation 4703719 (VCV004703719.1).